The following is an entry in ClinVar:

NM_001101426.4(CRPPA):c.245A>G (p.Gln82Arg)

Gene: CRPPA (CDP-L-ribitol pyrophosphorylase A; minus strand). Cytogenetic location: 7p21.2.
Variant type: single nucleotide variant.
Coding change: c.245A>G on transcript NM_001101426.4 (MANE Select); coding-DNA position 245, A replaced by G.
Protein change: p.Gln82Arg; replaces glutamine 82 with arginine.
Molecular consequence: missense variant. On other transcripts: non-coding transcript variant (1).
Genome position (GRCh38, 1-based): chr7:16,421,078, T>C on the plus strand (A>G on the coding strand, the complement: CRPPA is on the minus strand). VCF-style: chr7-16421078-T-C. GRCh37 (hg19) VCF-style: chr7-16460703-T-C.
Other names: c.245A>G, p.Gln82Arg (NM_001101417.4, NM_001368197.1); short protein forms Q82R.
Identifiers: ClinVar variation 1311098 (VCV001311098.8), dbSNP rs949985964, ClinGen allele CA154766852.
Genomic context (GRCh38, chr7:16,421,078, plus strand): 5'-GGAGGCCGGGCCCCAGGGAACCGCGGGGCGCGCCCGGCGCCGCATTACCTCTCCAGGGCC[T>C]GTAGGGTGTAGCTGATGAGCGGCCTCTCCAGGATGGGGCAGAATTGCTTCGGGGTGGGGA-3'
Protein context (NP_001094896.1, residues 72-92): LERPLISYTL[Gln82Arg]ALERVCWIKD

ClinVar aggregate classification (germline): Uncertain significance. Review status: criteria provided, multiple submitters, no conflicts (2 of 4 stars). 3 submissions from 3 submitters: Uncertain significance (3). Last evaluated 2025-10-02.

Conditions:
Muscular dystrophy-dystroglycanopathy (congenital with brain and eye anomalies), type A, 7. Also called: WALKER-WARBURG SYNDROME OR MUSCLE-EYE-BRAIN DISEASE, ISPD-RELATED; Congenital muscular dystrophy-dystroglycanopathy with brain and eye anomalies, type A7. Identifiers: Orphanet 899, MedGen C3553330, MONDO:0013835, OMIM 614643.
Autosomal recessive limb-girdle muscular dystrophy type 2U. Also called: Muscular dystrophy-dystroglycanopathy (limb-girdle), type c, 7; MUSCULAR DYSTROPHY, LIMB-GIRDLE, TYPE 2U. Identifiers: Orphanet 352479, MedGen C5190987, MONDO:0014474, OMIM 616052.

gnomAD v4.1: 1 of 1,289,072 alleles (0.000078%); highest among the groups gnomAD compares: Admixed American, 0.0041%; no homozygotes.

Submissions (3):

Ambry Genetics
Classification: Uncertain significance. Last evaluated: 2025-10-02. Review status: criteria provided, single submitter. Criteria: Ambry Variant Classification Scheme 2023. Collection method: clinical testing. Allele origin: germline.

Labcorp Genetics (formerly Invitae), Labcorp
Classification: Uncertain significance for Muscular dystrophy-dystroglycanopathy (congenital with brain and eye anomalies), type A, 7; Autosomal recessive limb-girdle muscular dystrophy type 2U. Last evaluated: 2023-05-15. Review status: criteria provided, single submitter. Criteria: Invitae Variant Classification Sherloc (09022015). Collection method: clinical testing. Allele origin: germline.
Comment: This variant has not been reported in the literature in individuals affected with ISPD-related conditions. In summary, the available evidence is currently insufficient to determine the role of this variant in disease. Therefore, it has been classified as a Variant of Uncertain Significance. Advanced modeling of protein sequence and biophysical properties (such as structural, functional, and spatial information, amino acid conservation, physicochemical variation, residue mobility, and thermodynamic stability) performed at Invitae indicates that this missense variant is not expected to disrupt ISPD protein function. ClinVar contains an entry for this variant (Variation ID: 1311098). This variant is not present in population databases (gnomAD no frequency). This sequence change replaces glutamine, which is neutral and polar, with arginine, which is basic and polar, at codon 82 of the ISPD protein (p.Gln82Arg).

GeneDx
Classification: Uncertain significance. Last evaluated: 2019-12-09. Review status: criteria provided, single submitter. Criteria: GeneDx Variant Classification Process June 2021. Collection method: clinical testing. Allele origin: germline. Affected: yes.
Comment: Not observed in large population cohorts (Lek et al., 2016); In silico analysis, which includes protein predictors and evolutionary conservation, supports that this variant does not alter protein structure/function; Has not been previously published as pathogenic or benign to our knowledge